The following is an entry in ClinVar:

ClinVar aggregate classification (germline): Uncertain significance (1 of 4 stars; one submission).

Submission:

GeneDx
Classification: Uncertain significance. Last evaluated: 2024-05-15. Review status: criteria provided, single submitter. Criteria: GeneDx Variant Classification Process June 2021. Collection method: clinical testing. Allele origin: germline. Affected: yes.
Comment: Not observed at significant frequency in large population cohorts (gnomAD); In silico analysis supports that this missense variant has a deleterious effect on protein structure/function; Has not been previously published as pathogenic or benign to our knowledge

NM_021619.3(PRDM12):c.808C>T (p.Pro270Ser)

Gene: PRDM12 (PR/SET domain 12; plus strand). Cytogenetic location: 9q34.12.
Variant type: single nucleotide variant.
Coding change: c.808C>T on transcript NM_021619.3 (MANE Select); coding-DNA position 808, C replaced by T.
Protein change: p.Pro270Ser; replaces proline 270 with serine.
Molecular consequence: missense variant.
Genome position (GRCh38, 1-based): chr9:130,681,373, C>T. VCF-style: chr9-130681373-C-T. GRCh37 (hg19) VCF-style: chr9-133556760-C-T.
Other names: short protein forms P270S.
Identifiers: ClinVar variation 3377911 (VCV003377911.1).